The following is an entry in ClinVar:

ClinVar aggregate classification (germline): Uncertain significance (1 of 4 stars; one submission).

Submission:

Ambry Genetics
Classification: Uncertain significance. Last evaluated: 2026-03-25. Review status: criteria provided, single submitter. Criteria: Ambry Variant Classification Scheme 2023. Collection method: clinical testing. Allele origin: germline.
Comment: The p.D623H variant (also known as c.1867G>C), located in coding exon 13 of the GEN1 gene, results from a G to C substitution at nucleotide position 1867. The aspartic acid at codon 623 is replaced by histidine, an amino acid with similar properties. This amino acid position is conserved. In addition, this alteration is predicted to be tolerated by in silico analysis. Based on the available evidence, the clinical significance of this variant remains unclear.

NM_001130009.3(GEN1):c.1867G>C (p.Asp623His)

Gene: GEN1 (GEN1 structure-specific endonuclease; plus strand). Cytogenetic location: 2p24.2.
Variant type: single nucleotide variant.
Coding change: c.1867G>C on transcript NM_001130009.3 (MANE Select); coding-DNA position 1867, G replaced by C.
Protein change: p.Asp623His; replaces aspartic acid 623 with histidine.
Molecular consequence: missense variant.
Genome position (GRCh38, 1-based): chr2:17,781,079, G>C. VCF-style: chr2-17781079-G-C. GRCh37 (hg19) VCF-style: chr2-17962346-G-C.
Other names: c.1867G>C, p.Asp623His (NM_182625.5); short protein forms D623H.
Identifiers: ClinVar variation 4857946 (VCV004857946.1).